The following is an entry in ClinVar:

ClinVar aggregate classification (germline): Likely benign (0 of 4 stars; one submission).

Conditions:
ASH1L-related disorder. Also called: ASH1L-related condition.

Allele frequency attached by ClinVar (database versions not stated): ExAC 0.00002; gnomAD exomes 0.00004; gnomAD 0.00008; TOPMed 0.00013; 1000 Genomes Project 30x 0.00016; 1000 Genomes Project 0.00020.
gnomAD v4.1: 73 of 1,614,174 alleles (0.0045%); highest among the groups gnomAD compares: Admixed American, 0.023%; no homozygotes.

Submission:

PreventionGenetics, part of Exact Sciences
Classification: Likely benign for ASH1L-related condition. Last evaluated: 2021-12-16. Review status: no assertion criteria provided. Collection method: clinical testing. Allele origin: germline.
Comment: This variant is classified as likely benign based on ACMG/AMP sequence variant interpretation guidelines (Richards et al. 2015 PMID: 25741868, with internal and published modifications).

NM_018489.3(ASH1L):c.3057T>C (p.His1019=)

Gene: ASH1L (ASH1 like histone lysine methyltransferase; minus strand). Cytogenetic location: 1q22.
Variant type: single nucleotide variant.
Coding change: c.3057T>C on transcript NM_018489.3 (MANE Select); coding-DNA position 3057, T replaced by C.
Protein change: p.His1019=; no amino-acid change (histidine 1019 retained).
Molecular consequence: synonymous variant.
Genome position (GRCh38, 1-based): chr1:155,479,813, A>G on the plus strand (T>C on the coding strand, the complement: ASH1L is on the minus strand). VCF-style: chr1-155479813-A-G. GRCh37 (hg19) VCF-style: chr1-155449604-A-G.
Other names: c.3057T>C, p.His1019= (NM_001366177.2).
Identifiers: ClinVar variation 3032794 (VCV003032794.2), dbSNP rs569585044, ClinGen allele CA1147129.
Genomic context (GRCh38, chr1:155,479,813, plus strand): 5'-GACATTTATCTGTTGGCCCAATTTAGAGCCAAATGTGGCAGCAAGACTTGATACCGTATT[A>G]TGGAGTTTGGATTGCACTTTCCCTTTATTACTTGATTCTACAGAACTTGAAAGAATCTGA-3'
Protein context (NP_060959.2, residues 1009-1029): SNKGKVQSKL[His1019=]NTVSSLAATF